The following is an entry in ClinVar:

NM_021098.3(CACNA1H):c.31G>C (p.Val11Leu)

Gene: CACNA1H (calcium voltage-gated channel subunit alpha1 H; plus strand). Cytogenetic location: 16p13.3.
Variant type: single nucleotide variant.
Coding change: c.31G>C on transcript NM_021098.3 (MANE Select); coding-DNA position 31, G replaced by C.
Protein change: p.Val11Leu; replaces valine 11 with leucine.
Molecular consequence: missense variant.
Genome position (GRCh38, 1-based): chr16:1,153,768, G>C. VCF-style: chr16-1153768-G-C. GRCh37 (hg19) VCF-style: chr16-1203768-G-C.
Other names: c.31G>C, p.Val11Leu (NM_001005407.2); short protein forms V11L.
Identifiers: ClinVar variation 2645876 (VCV002645876.24), dbSNP rs2548478768, ClinGen allele CA394145309.
Genomic context (GRCh38, chr16:1,153,768, plus strand): 5'-TGTCCTCTGCAGGTGCTGCCGGCCGCCACCATGACCGAGGGCGCACGGGCCGCCGACGAG[G>C]TCCGGGTGCCCCTGGGCGCGCCGCCCCCTGGCCCTGCGGCGTTGGTGGGGGCGTCCCCGG-3'
Protein context (NP_066921.2, residues 1-21): MTEGARAADE[Val11Leu]RVPLGAPPPG

ClinVar aggregate classification (germline): Uncertain significance (1 of 4 stars; one submission).

Submission:

CeGaT Center for Human Genetics Tuebingen
Classification: Uncertain significance. Last evaluated: 2023-01-01. Review status: criteria provided, single submitter. Criteria: CeGaT Center For Human Genetics Tuebingen Variant Classification Criteria Version 2. Collection method: clinical testing. Allele origin: germline. Affected: yes. Observed: 1 variant allele.
Comment: CACNA1H: PM2, PP3